The following is an entry in ClinVar:

ClinVar aggregate classification (germline): Uncertain significance. Review status: criteria provided, multiple submitters, no conflicts (2 of 4 stars). 4 submissions from 4 submitters: Uncertain significance (4). Last evaluated 2026-02-15.

Conditions:
Cardiomyopathy (CMYO). Also called: Cardiomyopathies. Identifiers: Orphanet 167848, MedGen C0878544, MONDO:0004994, HP:0001638. Inheritance: Various modes of inheritance.
Lethal congenital glycogen storage disease of heart. Also called: GLYCOGEN STORAGE DISEASE OF HEART; PHOSPHORYLASE KINASE DEFICIENCY OF HEART. Identifiers: Orphanet 439854, MedGen C1849813, MONDO:0009867, OMIM 261740.
Cardiovascular phenotype. Identifiers: MedGen CN230736.
Hypertrophic cardiomyopathy. Also called: HYPERTROPHIC MYOCARDIOPATHY. Identifiers: Orphanet 217569, MedGen C0007194, MeSH D002312, MONDO:0005045, HP:0001639.

Allele frequency attached by ClinVar (database versions not stated): gnomAD 0.00001; TOPMed 0.00004; gnomAD exomes below 0.00001.
gnomAD v4.1: 5 of 1,612,792 alleles (0.00031%); highest among the groups gnomAD compares: African/African-American, 0.004%; no homozygotes.

Submissions (4):

Ambry Genetics
Classification: Uncertain significance for Cardiovascular phenotype. Last evaluated: 2026-02-15. Review status: criteria provided, single submitter. Criteria: Ambry Variant Classification Scheme 2023. Collection method: clinical testing. Allele origin: germline.
Comment: The p.G54D variant (also known as c.161G>A), located in coding exon 2 of the PRKAG2 gene, results from a G to A substitution at nucleotide position 161. The glycine at codon 54 is replaced by aspartic acid, an amino acid with similar properties. This amino acid position is conserved. In addition, this alteration is predicted to be tolerated by in silico analysis. Based on the available evidence, the clinical significance of this variant remains unclear.

Labcorp Genetics (formerly Invitae), Labcorp
Classification: Uncertain significance for Lethal congenital glycogen storage disease of heart. Last evaluated: 2025-12-23. Review status: criteria provided, single submitter. Criteria: Invitae Variant Classification Sherloc (09022015). Collection method: clinical testing. Allele origin: germline.
Comment: This sequence change replaces glycine, which is neutral and non-polar, with aspartic acid, which is acidic and polar, at codon 54 of the PRKAG2 protein (p.Gly54Asp). This variant is not present in population databases (gnomAD no frequency). This variant has not been reported in the literature in individuals affected with PRKAG2-related conditions. ClinVar contains an entry for this variant (Variation ID: 241094). Invitae Evidence Modeling of protein sequence and biophysical properties (such as structural, functional, and spatial information, amino acid conservation, physicochemical variation, residue mobility, and thermodynamic stability) indicates that this missense variant is not expected to disrupt PRKAG2 protein function with a negative predictive value of 95%. In summary, the available evidence is currently insufficient to determine the role of this variant in disease. Therefore, it has been classified as a Variant of Uncertain Significance.

Color Diagnostics, LLC DBA Color Health
Classification: Uncertain significance for Cardiomyopathy. Last evaluated: 2024-03-06. Review status: criteria provided, single submitter. Criteria: ACMG Guidelines, 2015. Collection method: clinical testing. Allele origin: germline.
Comment: This missense variant replaces glycine with aspartic acid at codon 54 of the PRKAG2 protein. Computational prediction suggests that this variant may not impact protein structure and function. To our knowledge, functional studies have not been reported for this variant. This variant has not been reported in individuals affected with PRKAG2-related disorders in the literature. This variant has not been identified in the general population by the Genome Aggregation Database (gnomAD). The available evidence is insufficient to determine the role of this variant in disease conclusively. Therefore, this variant is classified as a Variant of Uncertain Significance.

All of Us Research Program, National Institutes of Health
Classification: Uncertain significance for Hypertrophic cardiomyopathy. Last evaluated: 2023-02-10. Review status: criteria provided, single submitter. Criteria: ACMG Guidelines, 2015. Collection method: clinical testing. Allele origin: germline. Inheritance: Autosomal dominant inheritance. Observed: 1 variant allele, 1 heterozygote.
Comment: This study involves interpretation of variants in research participants for the purpose of population health screening. Participant phenotype was not available at the time of variant classification. Additional details can be found in publication PMID: 35346344, PMCID: PMC8962531

NM_016203.4(PRKAG2):c.161G>A (p.Gly54Asp)

Gene: PRKAG2 (protein kinase AMP-activated non-catalytic subunit gamma 2; minus strand). Cytogenetic location: 7q36.1.
Variant type: single nucleotide variant.
Coding change: c.161G>A on transcript NM_016203.4 (MANE Select); coding-DNA position 161, G replaced by A.
Protein change: p.Gly54Asp; replaces glycine 54 with aspartic acid.
Molecular consequence: missense variant.
Genome position (GRCh38, 1-based): chr7:151,786,495, C>T on the plus strand (G>A on the coding strand, the complement: PRKAG2 is on the minus strand). VCF-style: chr7-151786495-C-T. GRCh37 (hg19) VCF-style: chr7-151483581-C-T.
Other names: c.29G>A, p.Gly10Asp (NM_001040633.2); short protein forms G54D, G10D.
Identifiers: ClinVar variation 241094 (VCV000241094.13), dbSNP rs878855019, ClinGen allele CA10582473.
Genomic context (GRCh38, chr7:151,786,495, plus strand): 5'-TGAGCTGTGAGAAACTTCTGGAAAGGAGGTCTTACCTTTCGAGAGGAATGCTTTCCGGAA[C>T]CCTCCAGGTCTCCGTCCAGGAGCGGCATGGCGAAGGAGCTCAGGTCCTAGGGTGGACAGA-3'
Protein context (NP_057287.2, residues 44-64): AMPLLDGDLE[Gly54Asp]SGKHSSRKVD